The following is an entry in ClinVar:

NM_017672.6(TRPM7):c.4389C>T (p.Ser1463=)

Gene: TRPM7 (transient receptor potential cation channel subfamily M member 7; minus strand). Cytogenetic location: 15q21.2.
Variant type: single nucleotide variant.
Coding change: c.4389C>T on transcript NM_017672.6 (MANE Select); coding-DNA position 4389, C replaced by T.
Protein change: p.Ser1463=; no amino-acid change (serine 1463 retained).
Molecular consequence: synonymous variant. On other transcripts: non-coding transcript variant (3).
Genome position (GRCh38, 1-based): chr15:50,589,592, G>A on the plus strand (C>T on the coding strand, the complement: TRPM7 is on the minus strand). VCF-style: chr15-50589592-G-A. GRCh37 (hg19) VCF-style: chr15-50881789-G-A.
Other names: c.4389C>T, p.Ser1463= (NM_001301212.2).
Identifiers: ClinVar variation 4849061 (VCV004849061.1).

ClinVar aggregate classification (germline): Benign (1 of 4 stars; one submission).

gnomAD v4.1: 197 of 1,550,348 alleles (0.013%); highest among the groups gnomAD compares: South Asian, 0.16%; 1 homozygote.

Submission:

Women's Health and Genetics/Laboratory Corporation of America, LabCorp
Classification: Benign. Last evaluated: 2026-04-27. Review status: criteria provided, single submitter. Criteria: LabCorp Variant Classification Summary - May 2015. Collection method: clinical testing. Allele origin: germline.
Comment: Variant summary: TRPM7 c.4389C>T (p.Ser1463Ser) alters a nucleotide located close to a canonical splice site and therefore could affect mRNA splicing, leading to a significantly altered protein sequence. Consensus agreement among computation tools predict no significant impact on normal splicing. However, these predictions have yet to be confirmed by functional studies. The variant allele was found at a frequency of 0.0002 in 240122 control chromosomes, predominantly at a frequency of 0.0015 within the South Asian subpopulation in the gnomAD database. The observed variant frequency within South Asian control individuals in the gnomAD database exceeds the estimated maximal expected allele frequency for disease-causing variants in TRPM7. To our knowledge, no occurrence of c.4389C>T in individuals affected with TRPM7-related conditions and no experimental evidence demonstrating its impact on protein function have been reported. No submitters have cited clinical-significance assessments for this variant to ClinVar. Based on the evidence outlined above, the variant was classified as benign.